The following is an entry in ClinVar:

ClinVar aggregate classification (germline): Benign. Review status: criteria provided, multiple submitters, no conflicts (2 of 4 stars). 2 submissions from 2 submitters: Benign (2). Last evaluated 2018-01-13.

Conditions:
Hirschsprung disease, susceptibility to, 3. Identifiers: Orphanet 388, MedGen C3150974, MONDO:0013383, OMIM 613711.

Allele frequency attached by ClinVar (database versions not stated): 1000 Genomes Project 0.03774; 1000 Genomes Project 30x 0.03795; TOPMed 0.05434; gnomAD 0.05831 and 0.05866.

Submissions (2):

Illumina Laboratory Services, Illumina
Classification: Benign for Hirschsprung disease, susceptibility to, 3. Last evaluated: 2018-01-13. Review status: criteria provided, single submitter. Criteria: ICSL Variant Classification Criteria 13 December 2019. Collection method: clinical testing. Allele origin: germline.
Comment: This variant was observed in the ICSL laboratory as part of a predisposition screen in an ostensibly healthy population. It had not been previously curated by ICSL or reported in the Human Gene Mutation Database (HGMD: prior to June 1st, 2018), and was therefore a candidate for classification through an automated scoring system. Utilizing variant allele frequency, disease prevalence and penetrance estimates, and inheritance mode, an automated score was calculated to assess if this variant is too frequent to cause the disease. Based on the score and internal cut-off values, a variant classified as benign is not then subjected to further curation. The score for this variant resulted in a classification of benign for this disease.

Breakthrough Genomics
Classification: Benign. Review status: criteria provided, single submitter. Criteria: ACMG Guidelines, 2015. Collection method: not provided. Allele origin: germline. Inheritance: Autosomal dominant inheritance. Affected: yes.

NM_000514.4(GDNF):c.*1264C>T

Gene: GDNF (glial cell derived neurotrophic factor; minus strand). Cytogenetic location: 5p13.2.
Variant type: single nucleotide variant.
Coding change: c.*1264C>T on transcript NM_000514.4 (MANE Select); 1264 bases downstream of the stop codon, C replaced by T.
Molecular consequence: 3 prime UTR variant.
Genome position (GRCh38, 1-based): chr5:37,814,387, G>A on the plus strand (C>T on the coding strand, the complement: GDNF is on the minus strand). VCF-style: chr5-37814387-G-A. GRCh37 (hg19) VCF-style: chr5-37814489-G-A.
Other names: c.*1264C>T (NM_001190468.1, NM_001190469.1, NM_001278098.1 and 1 more transcripts).
Identifiers: ClinVar variation 353503 (VCV000353503.6), dbSNP rs62360370, ClinGen allele CA10620382.